The following is an entry in ClinVar:

ClinVar aggregate classification (germline): Uncertain significance (1 of 4 stars; one submission).

Allele frequency attached by ClinVar (database versions not stated): gnomAD exomes below 0.00001; ExAC 0.00001.
gnomAD v4.1: 1 of 1,612,626 alleles (0.000062%); highest among the groups gnomAD compares: Non-Finnish European, 0.000085%; no homozygotes.

Submission:

Labcorp Genetics (formerly Invitae), Labcorp
Classification: Uncertain significance. Last evaluated: 2022-06-07. Review status: criteria provided, single submitter. Criteria: Invitae Variant Classification Sherloc (09022015). Collection method: clinical testing. Allele origin: germline.
Comment: This sequence change replaces serine, which is neutral and polar, with asparagine, which is neutral and polar, at codon 805 of the POLR3A protein (p.Ser805Asn). This variant is present in population databases (rs758840281, gnomAD 0.0009%). This variant has not been reported in the literature in individuals affected with POLR3A-related conditions. Algorithms developed to predict the effect of missense changes on protein structure and function are either unavailable or do not agree on the potential impact of this missense change (SIFT: "Deleterious"; PolyPhen-2: "Benign"; Align-GVGD: "Class C0"). In summary, the available evidence is currently insufficient to determine the role of this variant in disease. Therefore, it has been classified as a Variant of Uncertain Significance.

NM_007055.4(POLR3A):c.2414G>A (p.Ser805Asn)

Gene: POLR3A (RNA polymerase III subunit A; minus strand). Cytogenetic location: 10q22.3.
Variant type: single nucleotide variant.
Coding change: c.2414G>A on transcript NM_007055.4 (MANE Select); coding-DNA position 2414, G replaced by A.
Protein change: p.Ser805Asn; replaces serine 805 with asparagine.
Molecular consequence: missense variant.
Genome position (GRCh38, 1-based): chr10:78,001,040, C>T on the plus strand (G>A on the coding strand, the complement: POLR3A is on the minus strand). VCF-style: chr10-78001040-C-T. GRCh37 (hg19) VCF-style: chr10-79760798-C-T.
Other names: short protein forms S805N.
Identifiers: ClinVar variation 2038535 (VCV002038535.4), dbSNP rs758840281, ClinGen allele CA5571123.